The following is an entry in ClinVar:

NC_000023.10:g.(?_119565178)_(119581900_?)dup

Gene: LAMP2 (lysosome associated membrane protein 2; minus strand). Cytogenetic location: Xq24.
Variant type: Duplication.
Identifiers: ClinVar variation 2424392 (VCV002424392.4).

ClinVar aggregate classification (germline): Uncertain significance (1 of 4 stars; one submission).

Conditions:
Danon disease. Also called: Glycogen Storage Disease Type IIb; ANTOPOL DISEASE; PSEUDOGLYCOGENOSIS II; GSD IIb; LYSOSOMAL GLYCOGEN STORAGE DISEASE WITHOUT ACID MALTASE DEFICIENCY. Identifiers: Orphanet 34587, MedGen C0878677, MONDO:0010281, OMIM 300257.

Submission:

Labcorp Genetics (formerly Invitae), Labcorp
Classification: Uncertain significance for Danon disease. Last evaluated: 2022-10-19. Review status: criteria provided, single submitter. Criteria: Invitae Variant Classification Sherloc (09022015). Collection method: clinical testing. Allele origin: germline.
Comment: In summary, the available evidence is currently insufficient to determine the role of this variant in disease. Therefore, it has been classified as a Variant of Uncertain Significance. This variant has not been reported in the literature in individuals affected with LAMP2-related conditions. This variant results in a copy number gain of the genomic region encompassing exon(s) 5-9 of the LAMP2 gene. This region includes the termination codon of the gene. This copy number gain extends beyond the assayed region for this gene and therefore may encompass additional genes. As the precise location of this event is unknown, it may be in tandem or it may be located elsewhere in the genome.